The following is an entry in ClinVar:

NM_000428.3(LTBP2):c.4324G>T (p.Ala1442Ser)

Gene: LTBP2 (latent transforming growth factor beta binding protein 2; minus strand). Cytogenetic location: 14q24.3.
Variant type: single nucleotide variant.
Coding change: c.4324G>T on transcript NM_000428.3 (MANE Select); coding-DNA position 4324, G replaced by T.
Protein change: p.Ala1442Ser; replaces alanine 1442 with serine.
Molecular consequence: missense variant.
Genome position (GRCh38, 1-based): chr14:74,505,028, C>A on the plus strand (G>T on the coding strand, the complement: LTBP2 is on the minus strand). VCF-style: chr14-74505028-C-A. GRCh37 (hg19) VCF-style: chr14-74971731-C-A.
Other names: short protein forms A1442S.
Identifiers: ClinVar variation 1426224 (VCV001426224.8), dbSNP rs140583454, ClinGen allele CA390385889.

ClinVar aggregate classification (germline): Uncertain significance (1 of 4 stars; one submission).

gnomAD v4.1: 2 of 1,614,186 alleles (0.00012%); highest among the groups gnomAD compares: Non-Finnish European, 0.00017%; no homozygotes.

Submission:

Labcorp Genetics (formerly Invitae), Labcorp
Classification: Uncertain significance. Last evaluated: 2023-08-04. Review status: criteria provided, single submitter. Criteria: Invitae Variant Classification Sherloc (09022015). Collection method: clinical testing. Allele origin: germline.
Comment: This sequence change replaces alanine, which is neutral and non-polar, with serine, which is neutral and polar, at codon 1442 of the LTBP2 protein (p.Ala1442Ser). This variant is not present in population databases (gnomAD no frequency). This variant has not been reported in the literature in individuals affected with LTBP2-related conditions. ClinVar contains an entry for this variant (Variation ID: 1426224). Algorithms developed to predict the effect of missense changes on protein structure and function output the following: SIFT: "Not Available"; PolyPhen-2: "Benign"; Align-GVGD: "Not Available". The serine amino acid residue is found in multiple mammalian species, which suggests that this missense change does not adversely affect protein function. In summary, the available evidence is currently insufficient to determine the role of this variant in disease. Therefore, it has been classified as a Variant of Uncertain Significance.